The following is an entry in ClinVar:

ClinVar aggregate classification (germline): Conflicting classifications of pathogenicity. Review status: criteria provided, conflicting classifications (1 of 4 stars). 3 submissions from 3 submitters: Uncertain significance (2); Likely benign (1). Last evaluated 2026-01-11.

Conditions:
Hereditary cancer-predisposing syndrome. Also called: Hereditary Cancer Syndrome; Hereditary neoplastic syndrome; Neoplastic Syndromes, Hereditary; Tumor predisposition. Identifiers: Orphanet 140162, MedGen C0027672, MeSH D009386, MONDO:0015356.
Hereditary breast ovarian cancer syndrome. Also called: BRCA1- and BRCA2-Associated Hereditary Breast and Ovarian Cancer; Hereditary breast and ovarian cancer; Hereditary breast and ovarian cancer syndrome (HBOC); Hereditary breast and/or ovarian cancer syndrome; Hereditary breast and ovarian cancer syndrome; Breast and ovarian cancer. Identifiers: Orphanet 145, MedGen C0677776, MeSH D061325, MONDO:0003582. Disease mechanism: loss of function.

Submissions (3):

Labcorp Genetics (formerly Invitae), Labcorp
Classification: Uncertain significance for Hereditary breast ovarian cancer syndrome. Last evaluated: 2026-01-11. Review status: criteria provided, single submitter. Criteria: Invitae Variant Classification Sherloc (09022015). Collection method: clinical testing. Allele origin: germline.
Comment: This sequence change replaces lysine, which is basic and polar, with threonine, which is neutral and polar, at codon 1233 of the BRCA1 protein (p.Lys1233Thr). This variant is not present in population databases (gnomAD no frequency). This variant has not been reported in the literature in individuals affected with BRCA1-related conditions. ClinVar contains an entry for this variant (Variation ID: 1447898). Invitae Evidence Modeling of protein sequence and biophysical properties (such as structural, functional, and spatial information, amino acid conservation, physicochemical variation, residue mobility, and thermodynamic stability) has been performed for this missense variant. However, the output from this modeling did not meet the statistical confidence thresholds required to predict the impact of this variant on BRCA1 protein function. In summary, the available evidence is currently insufficient to determine the role of this variant in disease. Therefore, it has been classified as a Variant of Uncertain Significance.

Ambry Genetics
Classification: Uncertain significance for Hereditary cancer-predisposing syndrome. Last evaluated: 2024-05-14. Review status: criteria provided, single submitter. Criteria: Ambry Variant Classification Scheme 2023. Collection method: clinical testing. Allele origin: germline.
Comment: The p.K1233T variant (also known as c.3698A>C), located in coding exon 9 of the BRCA1 gene, results from an A to C substitution at nucleotide position 3698. The lysine at codon 1233 is replaced by threonine, an amino acid with similar properties. This amino acid position is not well conserved in available vertebrate species. In addition, the in silico prediction for this alteration is inconclusive. Since supporting evidence is limited at this time, the clinical significance of this alteration remains unclear.

University of Washington Department of Laboratory Medicine, University of Washington
Classification: Likely benign for Hereditary cancer-predisposing syndrome. Last evaluated: 2023-03-23. Review status: criteria provided, single submitter. Criteria: Dines et al. (Genet Med. 2020). Collection method: curation. Allele origin: germline.
Comment: Missense variant in a coldspot region where missense variants are very unlikely to be pathogenic (PMID:31911673).

BRCA1 coldspot (exon 11 using historical exon numbering). Reclassification based on statistical prior probability

NM_007294.4(BRCA1):c.3698A>C (p.Lys1233Thr)

Genes: BRCA1 (BRCA1 DNA repair associated; minus strand), LOC126862571 (BRD4-independent group 4 enhancer GRCh37_chr17:41243136-41244335; plus strand). Cytogenetic location: 17q21.31.
Variant type: single nucleotide variant.
Coding change: c.3698A>C on transcript NM_007294.4 (MANE Select); coding-DNA position 3698, A replaced by C.
Protein change: p.Lys1233Thr; replaces lysine 1233 with threonine.
Molecular consequence: missense variant. On other transcripts: intron variant (135).
Genome position (GRCh38, 1-based): chr17:43,091,833, T>G on the plus strand (A>C on the coding strand, the complement: BRCA1 is on the minus strand). VCF-style: chr17-43091833-T-G. GRCh37 (hg19) VCF-style: chr17-41243850-T-G.
Other names: c.3488A>C, p.Lys1163Thr (NM_001407882.1, NM_001407884.1, NM_001407885.1 and 13 more transcripts); c.3485A>C, p.Lys1162Thr (NM_001407894.1, NM_001407895.1, NM_001407896.1 and 9 more transcripts); c.3575A>C, p.Lys1192Thr (NM_001407919.1, NM_001407937.1, NM_001407938.1 and 19 more transcripts); c.3434A>C, p.Lys1145Thr (NM_001407920.1, NM_001407921.1, NM_001407922.1 and 9 more transcripts); c.3431A>C, p.Lys1144Thr (NM_001407930.1, NM_001407931.1, NM_001407932.1 and 2 more transcripts); c.3572A>C, p.Lys1191Thr (NM_001407940.1, NM_001407941.1, NM_001407649.1 and 11 more transcripts); c.3557A>C, p.Lys1186Thr (NM_001407942.1, NM_001407944.1, NM_001407945.1 and 29 more transcripts); c.3554A>C, p.Lys1185Thr (NM_001407943.1, NM_001407964.1, NM_001407740.1 and 20 more transcripts); and 41 more; short protein forms K1186T, K1233T, K1191T, K1206T, K1207T, K1230T, K365T, K1106T.
Identifiers: ClinVar variation 1447898 (VCV001447898.12), dbSNP rs80357141, ClinGen allele CA10594568.